The following is an entry in ClinVar:

ClinVar aggregate classification (germline): Likely benign (0 of 4 stars; one submission).

Conditions:
ARHGEF28-related disorder. Also called: ARHGEF28-related condition.

Allele frequency attached by ClinVar (database versions not stated): gnomAD exomes 0.00005; gnomAD 0.00006; ESP Exome Variant Server 0.00008; ExAC 0.00009; TOPMed 0.00009; 1000 Genomes Project 0.00040; 1000 Genomes Project 30x 0.00047.
gnomAD v4.1: 81 of 1,613,274 alleles (0.005%); highest among the groups gnomAD compares: Middle Eastern, 0.066%; no homozygotes.

Submission:

PreventionGenetics, part of Exact Sciences
Classification: Likely benign for ARHGEF28-related condition. Last evaluated: 2023-06-07. Review status: no assertion criteria provided. Collection method: clinical testing. Allele origin: germline.
Comment: This variant is classified as likely benign based on ACMG/AMP sequence variant interpretation guidelines (Richards et al. 2015 PMID: 25741868, with internal and published modifications).

NM_001177693.2(ARHGEF28):c.3090G>A (p.Ala1030=)

Gene: ARHGEF28 (Rho guanine nucleotide exchange factor 28; plus strand). Cytogenetic location: 5q13.2.
Variant type: single nucleotide variant.
Coding change: c.3090G>A on transcript NM_001177693.2 (MANE Select); coding-DNA position 3090, G replaced by A.
Protein change: p.Ala1030=; no amino-acid change (alanine 1030 retained).
Molecular consequence: synonymous variant.
Genome position (GRCh38, 1-based): chr5:73,885,884, G>A. VCF-style: chr5-73885884-G-A. GRCh37 (hg19) VCF-style: chr5-73181709-G-A.
Other names: c.3090G>A, p.Ala1030= (NM_001080479.3, NM_001388078.1); c.2151G>A, p.Ala717= (NM_001244364.2); c.2796G>A, p.Ala932= (NM_001388076.1).
Identifiers: ClinVar variation 3046437 (VCV003046437.2), dbSNP rs180779810, ClinGen allele CA3305003.